The following is an entry in ClinVar:

NM_033343.4(LHX4):c.37G>A (p.Val13Ile)

Gene: LHX4 (LIM homeobox 4; plus strand). Cytogenetic location: 1q25.2.
Variant type: single nucleotide variant.
Coding change: c.37G>A on transcript NM_033343.4 (MANE Select); coding-DNA position 37, G replaced by A.
Protein change: p.Val13Ile; replaces valine 13 with isoleucine.
Molecular consequence: missense variant.
Genome position (GRCh38, 1-based): chr1:180,230,566, G>A. VCF-style: chr1-180230566-G-A. GRCh37 (hg19) VCF-style: chr1-180199701-G-A.
Other names: short protein forms V13I.
Identifiers: ClinVar variation 293857 (VCV000293857.13), dbSNP rs146664099, ClinGen allele CA1271771.

ClinVar aggregate classification (germline): Conflicting classifications of pathogenicity. Review status: criteria provided, conflicting classifications (1 of 4 stars). 5 submissions from 5 submitters: Uncertain significance (3); Likely benign (2). Last evaluated 2024-06-02.

Conditions:
Inborn genetic diseases. Identifiers: MedGen C0950123, MeSH D030342.
Short stature-pituitary and cerebellar defects-small sella turcica syndrome (CPHD4). Also called: Pituitary hormone deficiency, combined with or without cerebellar defects; Short stature, pituitary and cerebellar defects and small sella turcica. Identifiers: Orphanet 85442, MedGen C2678408, MONDO:0009880, OMIM 262700.

Allele frequency attached by ClinVar (database versions not stated): gnomAD exomes 0.00018 and 0.00048; ExAC 0.00019; 1000 Genomes Project 0.00020; gnomAD 0.00025 and 0.00026; TOPMed 0.00026; 1000 Genomes Project 30x 0.00031; ESP Exome Variant Server 0.00031.

Submissions (5):

Ambry Genetics
Classification: Uncertain significance for Inborn genetic diseases. Last evaluated: 2024-06-02. Review status: criteria provided, single submitter. Criteria: Ambry Variant Classification Scheme 2023. Collection method: clinical testing. Allele origin: germline.

Women's Health and Genetics/Laboratory Corporation of America, LabCorp
Classification: Likely benign. Last evaluated: 2023-07-12. Review status: criteria provided, single submitter. Criteria: LabCorp Variant Classification Summary - May 2015. Collection method: clinical testing. Allele origin: germline.
Comment: Variant summary: LHX4 c.37G>A (p.Val13Ile) results in a conservative amino acid change in the encoded protein sequence. Four of five in-silico tools predict a benign effect of the variant on protein function. The variant allele was found at a frequency of 0.00018 in 250698 control chromosomes (i.e. in 45 carriers), predominantly at a frequency of 0.00037 within the Non-Finnish European subpopulation in the gnomAD database (v2.1, exomes dataset). These data suggest that the variant is unlikely to be associated with an early onset, high penetrance autosomal dominant disease phenotype. To our knowledge, no occurrence of c.37G>A in individuals affected with Short Stature-Pituitary and Cerebellar Defects-Small Sella Turcica Syndrome and no experimental evidence demonstrating its impact on protein function have been reported. Three submitters have cited clinical-significance assessments for this variant to ClinVar after 2014, and classified the variant as VUS (n=2), or likely benign (n=1). Based on the evidence outlined above, the variant was classified as likely benign.

Labcorp Genetics (formerly Invitae), Labcorp
Classification: Uncertain significance. Last evaluated: 2023-04-25. Review status: criteria provided, single submitter. Criteria: Invitae Variant Classification Sherloc (09022015). Collection method: clinical testing. Allele origin: germline.
Comment: In summary, the available evidence is currently insufficient to determine the role of this variant in disease. Therefore, it has been classified as a Variant of Uncertain Significance. An algorithm developed to predict the effect of missense changes on protein structure and function (PolyPhen-2) suggests that this variant is likely to be tolerated. ClinVar contains an entry for this variant (Variation ID: 293857). This variant has not been reported in the literature in individuals affected with LHX4-related conditions. This variant is present in population databases (rs146664099, gnomAD 0.04%), and has an allele count higher than expected for a pathogenic variant. This sequence change replaces valine, which is neutral and non-polar, with isoleucine, which is neutral and non-polar, at codon 13 of the LHX4 protein (p.Val13Ile).

Illumina Laboratory Services, Illumina
Classification: Likely benign for Short stature-pituitary and cerebellar defects-small sella turcica syndrome. Last evaluated: 2018-01-12. Review status: criteria provided, single submitter. Criteria: ICSL Variant Classification Criteria 13 December 2019. Collection method: clinical testing. Allele origin: germline.
Comment: This variant was observed in the ICSL laboratory as part of a predisposition screen in an ostensibly healthy population. It had not been previously curated by ICSL or reported in the Human Gene Mutation Database (HGMD: prior to June 1st, 2018), and was therefore a candidate for classification through an automated scoring system. Utilizing variant allele frequency, disease prevalence and penetrance estimates, and inheritance mode, an automated score was calculated to assess if this variant is too frequent to cause the disease. Based on the score and internal cut-off values, a variant classified as likely benign is not then subjected to further curation. The score for this variant resulted in a classification of likely benign for this disease.

GeneDx
Classification: Uncertain significance. Last evaluated: 2017-10-30. Review status: criteria provided, single submitter. Criteria: GeneDx Variant Classification (06012015). Collection method: clinical testing. Allele origin: germline. Affected: yes.
Comment: The V13I variant in the LHX4 gene has not been reported previously as a pathogenic variant, nor as a benign variant, to our knowledge. The V13I variant is observed in 46/126,340 (0.04%) alleles from individuals of non-Finnish European background in large population cohorts (Lek et al., 2016). The V13I variant is a conservative amino acid substitution, which is not likely to impact secondary protein structure as these residues share similar properties. This substitution occurs at a position that is conserved across species. In silico analysis is inconsistent in its predictions as to whether or not the variant is damaging to the protein structure/function. We interpret V13I as a variant of uncertain significance.